The following is an entry in ClinVar:

NM_004525.3(LRP2):c.13315G>T (p.Ala4439Ser)

Gene: LRP2 (LDL receptor related protein 2; minus strand). Cytogenetic location: 2q31.1.
Variant type: single nucleotide variant.
Coding change: c.13315G>T on transcript NM_004525.3 (MANE Select); coding-DNA position 13315, G replaced by T.
Protein change: p.Ala4439Ser; replaces alanine 4439 with serine.
Molecular consequence: missense variant.
Genome position (GRCh38, 1-based): chr2:169,139,324, C>A on the plus strand (G>T on the coding strand, the complement: LRP2 is on the minus strand). VCF-style: chr2-169139324-C-A. GRCh37 (hg19) VCF-style: chr2-169995834-C-A.
Other names: short protein forms A4439S.
Identifiers: ClinVar variation 1485244 (VCV001485244.4), dbSNP rs2105337696, ClinGen allele CA349155744.

ClinVar aggregate classification (germline): Uncertain significance (1 of 4 stars; one submission).

Submission:

Labcorp Genetics (formerly Invitae), Labcorp
Classification: Uncertain significance. Last evaluated: 2025-08-21. Review status: criteria provided, single submitter. Criteria: Invitae Variant Classification Sherloc (09022015). Collection method: clinical testing. Allele origin: germline.
Comment: This sequence change replaces alanine, which is neutral and non-polar, with serine, which is neutral and polar, at codon 4439 of the LRP2 protein (p.Ala4439Ser). This variant is not present in population databases (gnomAD no frequency). This variant has not been reported in the literature in individuals affected with LRP2-related conditions. ClinVar contains an entry for this variant (Variation ID: 1485244). Invitae Evidence Modeling of protein sequence and biophysical properties (such as structural, functional, and spatial information, amino acid conservation, physicochemical variation, residue mobility, and thermodynamic stability) indicates that this missense variant is not expected to disrupt LRP2 protein function with a negative predictive value of 95%. In summary, the available evidence is currently insufficient to determine the role of this variant in disease. Therefore, it has been classified as a Variant of Uncertain Significance.